The following is an entry in ClinVar:

ClinVar aggregate classification (germline): Uncertain significance (1 of 4 stars; one submission).

Conditions:
Leber congenital amaurosis 14 (LCA14). Identifiers: MedGen C2750063, MONDO:0013231, OMIM 613341.

Submission:

Chongqing Key Laboratory of Prevention and Treatment of Major Blinding Diseases, The First Affiliated Hospital of Chongqing Medical University
Classification: Uncertain significance for Leber congenital amaurosis 14. Last evaluated: 2024-03-07. Review status: criteria provided, single submitter. Criteria: ACMG Guidelines, 2015. Collection method: research. Allele origin: inherited. Inheritance: Autosomal recessive inheritance. Affected: yes and no. Observed: 2 heterozygotes, 2 homozygotes.
Comment: The variation LRAT:NM_004744.5:exon3:c.578G>T:p.R193I is of uncertain significance (PP1+PM2_Supporting+PM3_Supporting). Supportive pathogenic evidence PP1: The variation co-segregates with the disease in two affected family members. Supportive pathogenic evidence PM2_Supporting: The variation has not been found in the reference populations such as the 1000 Genomes Project, the China Genome Database, the Exome Aggregation Consortium (ExAC), and the Genome Aggregation Database (gnomAD). Upon querying public databases, mutations in the LRAT gene (OMIM:604863) can cause Leber congenital amaurosis 14 (LCA14) (OMIM:613341), Retinal dystrophy, early-onset severe (OMIM:613341), and Retinitis pigmentosa, juvenile (OMIM:613341). Leber congenital amaurosis 14, early-onset severe retinal dystrophy, and juvenile retinitis pigmentosa are primarily characterized by night blindness, decreased vision, extinguished electroretinogram (ERG), pale disc, nystagmus, photophobia, falling, rod-cone dystrophy, congenital blindness, pale optic disc, retinal dystrophy, and reduced amplitude of light and dark adaptation electroretinogram.

Literature cited by the submitters: PubMed 27854360.

NM_004744.5(LRAT):c.578G>T (p.Arg193Ile)

Gene: LRAT (lecithin retinol acyltransferase; plus strand). Cytogenetic location: 4q32.1.
Variant type: single nucleotide variant.
Coding change: c.578G>T on transcript NM_004744.5 (MANE Select); coding-DNA position 578, G replaced by T.
Protein change: p.Arg193Ile; replaces arginine 193 with isoleucine.
Molecular consequence: missense variant.
Genome position (GRCh38, 1-based): chr4:154,749,021, G>T. VCF-style: chr4-154749021-G-T. GRCh37 (hg19) VCF-style: chr4-155670173-G-T.
Other names: c.578G>T, p.Arg193Ile (NM_001301645.2); short protein forms R193I.
Identifiers: ClinVar variation 3340096 (VCV003340096.2).